The following is an entry in ClinVar:

NM_001001557.4(GDF6):c.1237G>A (p.Gly413Ser)

Gene: GDF6 (growth differentiation factor 6; minus strand). Cytogenetic location: 8q22.1.
Variant type: single nucleotide variant.
Coding change: c.1237G>A on transcript NM_001001557.4 (MANE Select); coding-DNA position 1237, G replaced by A.
Protein change: p.Gly413Ser; replaces glycine 413 with serine.
Molecular consequence: missense variant.
Genome position (GRCh38, 1-based): chr8:96,144,694, C>T on the plus strand (G>A on the coding strand, the complement: GDF6 is on the minus strand). VCF-style: chr8-96144694-C-T. GRCh37 (hg19) VCF-style: chr8-97156922-C-T.
Other names: short protein forms G413S.
Identifiers: ClinVar variation 1497777 (VCV001497777.6), dbSNP rs984197099, ClinGen allele CA181485020.

ClinVar aggregate classification (germline): Uncertain significance (1 of 4 stars; one submission).

Conditions:
Microphthalmia, isolated, with coloboma 6 (MCOPCB6). Also called: Microphthalmia with coloboma 6, digenic; Microphthalmia with coloboma 6; MICROPHTHALMIA/COLOBOMA 6. Identifiers: Orphanet 98938, MedGen C3150968, MONDO:0013376, OMIM 613703.
Klippel-Feil syndrome 1, autosomal dominant (KFS1). Also called: CERVICAL VERTEBRAL FUSION, AUTOSOMAL DOMINANT. Identifiers: Orphanet 2345, MedGen C1861689, MONDO:0007306, OMIM 118100.
Leber congenital amaurosis 17 (LCA17). Identifiers: Orphanet 65, MedGen C3715164, MONDO:0014145, OMIM 615360.
Isolated microphthalmia 4. Identifiers: Orphanet 2542, MedGen C2751307, MONDO:0013130, OMIM 613094.

Allele frequency attached by ClinVar (database versions not stated): gnomAD exomes below 0.00001 and 0.00001; TOPMed below 0.00001; gnomAD 0.00001.
gnomAD v4.1: 11 of 1,613,982 alleles (0.00068%); highest among the groups gnomAD compares: East Asian, 0.0022%; no homozygotes.

Submission:

Labcorp Genetics (formerly Invitae), Labcorp
Classification: Uncertain significance for Isolated microphthalmia 4; Leber congenital amaurosis 17; Klippel-Feil syndrome 1, autosomal dominant; Microphthalmia, isolated, with coloboma 6. Last evaluated: 2024-10-31. Review status: criteria provided, single submitter. Criteria: Invitae Variant Classification Sherloc (09022015). Collection method: clinical testing. Allele origin: germline.
Comment: This sequence change replaces glycine, which is neutral and non-polar, with serine, which is neutral and polar, at codon 413 of the GDF6 protein (p.Gly413Ser). This variant is present in population databases (no rsID available, gnomAD 0.0009%). This variant has not been reported in the literature in individuals affected with GDF6-related conditions. ClinVar contains an entry for this variant (Variation ID: 1497777). Invitae Evidence Modeling of protein sequence and biophysical properties (such as structural, functional, and spatial information, amino acid conservation, physicochemical variation, residue mobility, and thermodynamic stability) indicates that this missense variant is not expected to disrupt GDF6 protein function with a negative predictive value of 80%. In summary, the available evidence is currently insufficient to determine the role of this variant in disease. Therefore, it has been classified as a Variant of Uncertain Significance.